The following is an entry in ClinVar:

NM_020693.4(DSCAML1):c.5791C>T (p.Arg1931Trp)

Gene: DSCAML1 (DS cell adhesion molecule like 1; minus strand). Cytogenetic location: 11q23.3.
Variant type: single nucleotide variant.
Coding change: c.5791C>T on transcript NM_020693.4 (MANE Select); coding-DNA position 5791, C replaced by T.
Protein change: p.Arg1931Trp; replaces arginine 1931 with tryptophan.
Molecular consequence: missense variant.
Genome position (GRCh38, 1-based): chr11:117,428,699, G>A on the plus strand (C>T on the coding strand, the complement: DSCAML1 is on the minus strand). VCF-style: chr11-117428699-G-A. GRCh37 (hg19) VCF-style: chr11-117299415-G-A.
Other names: short protein forms R1931W.
Identifiers: ClinVar variation 2419951 (VCV002419951.6), dbSNP rs779018567, ClinGen allele CA6295966.

ClinVar aggregate classification (germline): Uncertain significance (1 of 4 stars; one submission).

Allele frequency attached by ClinVar (database versions not stated): gnomAD 0.00002; TOPMed 0.00002; ExAC 0.00005.
gnomAD v4.1: 50 of 1,613,088 alleles (0.0031%); highest among the groups gnomAD compares: Middle Eastern, 0.017%; no homozygotes.

Submission:

Labcorp Genetics (formerly Invitae), Labcorp
Classification: Uncertain significance. Last evaluated: 2025-03-17. Review status: criteria provided, single submitter. Criteria: Invitae Variant Classification Sherloc (09022015). Collection method: clinical testing. Allele origin: germline.
Comment: This sequence change replaces arginine, which is basic and polar, with tryptophan, which is neutral and slightly polar, at codon 1991 of the DSCAML1 protein (p.Arg1991Trp). This variant is present in population databases (rs779018567, gnomAD 0.02%). This variant has not been reported in the literature in individuals affected with DSCAML1-related conditions. ClinVar contains an entry for this variant (Variation ID: 2419951). An algorithm developed to predict the effect of missense changes on protein structure and function (PolyPhen-2) suggests that this variant is likely to be disruptive. In summary, the available evidence is currently insufficient to determine the role of this variant in disease. Therefore, it has been classified as a Variant of Uncertain Significance.